The following is an entry in ClinVar:

ClinVar aggregate classification (germline): Uncertain significance (1 of 4 stars; one submission).

Conditions:
Early-infantile DEE. Also called: Early infantile epileptic encephalopathy; Early infantile epileptic encephalopathy with suppression bursts; Ohtahara syndrome. Identifiers: Orphanet 1934, MedGen C0393706, MONDO:0800491.

Allele frequency attached by ClinVar (database versions not stated): gnomAD exomes below 0.00001; TOPMed below 0.00001; gnomAD 0.00001.
gnomAD v4.1: 12 of 1,595,942 alleles (0.00075%); highest among the groups gnomAD compares: East Asian, 0.0023%; no homozygotes.

Submission:

Labcorp Genetics (formerly Invitae), Labcorp
Classification: Uncertain significance for Early-infantile DEE. Last evaluated: 2023-06-27. Review status: criteria provided, single submitter. Criteria: Invitae Variant Classification Sherloc (09022015). Collection method: clinical testing. Allele origin: germline.
Comment: ClinVar contains an entry for this variant (Variation ID: 530416). This sequence change replaces arginine, which is basic and polar, with glutamine, which is neutral and polar, at codon 606 of the SCN8A protein (p.Arg606Gln). This variant is present in population databases (no rsID available, gnomAD 0.009%). This variant has not been reported in the literature in individuals affected with SCN8A-related conditions. Advanced modeling of protein sequence and biophysical properties (such as structural, functional, and spatial information, amino acid conservation, physicochemical variation, residue mobility, and thermodynamic stability) performed at Invitae indicates that this missense variant is not expected to disrupt SCN8A protein function. In summary, the available evidence is currently insufficient to determine the role of this variant in disease. Therefore, it has been classified as a Variant of Uncertain Significance.

NM_001330260.2(SCN8A):c.1817G>A (p.Arg606Gln)

Gene: SCN8A (sodium voltage-gated channel alpha subunit 8; plus strand). Cytogenetic location: 12q13.13.
Variant type: single nucleotide variant.
Coding change: c.1817G>A on transcript NM_001330260.2 (MANE Select); coding-DNA position 1817, G replaced by A.
Protein change: p.Arg606Gln; replaces arginine 606 with glutamine.
Molecular consequence: missense variant.
Genome position (GRCh38, 1-based): chr12:51,721,727, G>A. VCF-style: chr12-51721727-G-A. GRCh37 (hg19) VCF-style: chr12-52115511-G-A.
Other names: c.1817G>A, p.Arg606Gln (NM_001177984.3, NM_001369788.1, NM_014191.4); short protein forms R606Q.
Identifiers: ClinVar variation 530416 (VCV000530416.9), dbSNP rs1359860813, ClinGen allele CA385229653.
Genomic context (GRCh38, chr12:51,721,727, plus strand): 5'-ACGAGCACAGCACGGTGGAGGAGAGCGAGGGCCGCCGGGACTCCCTCTTCATCCCCATCC[G>A]GGCCCGCGAGCGCCGGAGCAGCTACAGCGGCTACAGCGGCTACAGCCAGGGCAGCCGCTC-3'
Protein context (NP_001317189.1, residues 596-616): GRRDSLFIPI[Arg606Gln]ARERRSSYSG